The following is an entry in ClinVar:

ClinVar aggregate classification (germline): Uncertain significance (1 of 4 stars; one submission).

Submission:

Mayo Clinic Laboratories, Mayo Clinic
Classification: Uncertain significance. Last evaluated: 2025-08-13. Review status: criteria provided, single submitter. Criteria: ACMG Guidelines, 2015. Collection method: clinical testing. Allele origin: germline. Observed: 4 variant alleles.
Comment: PP3_strong, PM2_supporting

NM_000282.4(PCCA):c.338G>T (p.Gly113Val)

Gene: PCCA (propionyl-CoA carboxylase subunit alpha; plus strand). Cytogenetic location: 13q32.3.
Variant type: single nucleotide variant.
Coding change: c.338G>T on transcript NM_000282.4 (MANE Select); coding-DNA position 338, G replaced by T.
Protein change: p.Gly113Val; replaces glycine 113 with valine.
Molecular consequence: missense variant. On other transcripts: 5 prime UTR variant (3), non-coding transcript variant (5).
Genome position (GRCh38, 1-based): chr13:100,155,016, G>T. VCF-style: chr13-100155016-G-T. GRCh37 (hg19) VCF-style: chr13-100807270-G-T.
Other names: p.Gly113Val; c.260G>T, p.Gly87Val (NM_001127692.3, NM_001352607.2, NM_001352608.2); c.338G>T, p.Gly113Val (NM_001178004.2, NM_001352605.2, NM_001352606.2 and 1 more transcripts); c.-529G>T (NM_001352610.2, NM_001352611.2, NM_001352612.2); short protein forms G113V, G87V.
Identifiers: ClinVar variation 4541795 (VCV004541795.1).